The following is an entry in ClinVar:

ClinVar aggregate classification (germline): Uncertain significance (1 of 4 stars; one submission).

Conditions:
Ataxia-telangiectasia syndrome (AT). Also called: Ataxia-telangiectasia, complementation group D; AT, COMPLEMENTATION GROUP C; ATAXIA-TELANGIECTASIA, COMPLEMENTATION GROUP A; ATAXIA-TELANGIECTASIA, FRESNO VARIANT; Ataxia-telangiectasia, complementation group E; LOUIS-BAR SYNDROME. Identifiers: Orphanet 100, MedGen C0004135, MONDO:0008840, OMIM 208900.

Submission:

Labcorp Genetics (formerly Invitae), Labcorp
Classification: Uncertain significance for Ataxia-telangiectasia syndrome. Last evaluated: 2022-06-15. Review status: criteria provided, single submitter. Criteria: Invitae Variant Classification Sherloc (09022015). Collection method: clinical testing. Allele origin: germline.
Comment: This sequence change replaces methionine, which is neutral and non-polar, with isoleucine, which is neutral and non-polar, at codon 2235 of the ATM protein (p.Met2235Ile). This variant is not present in population databases (gnomAD no frequency). This variant has not been reported in the literature in individuals affected with ATM-related conditions. Advanced modeling of protein sequence and biophysical properties (such as structural, functional, and spatial information, amino acid conservation, physicochemical variation, residue mobility, and thermodynamic stability) performed at Invitae indicates that this missense variant is not expected to disrupt ATM protein function. In summary, the available evidence is currently insufficient to determine the role of this variant in disease. Therefore, it has been classified as a Variant of Uncertain Significance.

NM_000051.4(ATM):c.6705G>T (p.Met2235Ile)

Genes: ATM (ATM serine/threonine kinase; plus strand), C11orf65 (chromosome 11 open reading frame 65; minus strand). Cytogenetic location: 11q22.3.
Variant type: single nucleotide variant.
Coding change: c.6705G>T on transcript NM_000051.4 (MANE Select); coding-DNA position 6705, G replaced by T.
Protein change: p.Met2235Ile; replaces methionine 2235 with isoleucine.
Molecular consequence: missense variant. On other transcripts: intron variant (2).
Genome position (GRCh38, 1-based): chr11:108,325,442, G>T. VCF-style: chr11-108325442-G-T. GRCh37 (hg19) VCF-style: chr11-108196169-G-T.
Other names: c.6705G>T, p.Met2235Ile (NM_001351834.2); c.641-16371C>A (NM_001330368.2); c.*38+9778C>A (NM_001351110.2); short protein forms M2235I.
Identifiers: ClinVar variation 2007318 (VCV002007318.4), dbSNP rs2136313559, ClinGen allele CA382554966.